The following is an entry in ClinVar:

NM_001371928.1(AHDC1):c.2568C>T (p.Ala856=)

Gene: AHDC1 (AT-hook DNA binding motif containing 1; minus strand). Cytogenetic location: 1p36.11.
Variant type: single nucleotide variant.
Coding change: c.2568C>T on transcript NM_001371928.1 (MANE Select); coding-DNA position 2568, C replaced by T.
Protein change: p.Ala856=; no amino-acid change (alanine 856 retained).
Molecular consequence: synonymous variant.
Genome position (GRCh38, 1-based): chr1:27,549,548, G>A on the plus strand (C>T on the coding strand, the complement: AHDC1 is on the minus strand). VCF-style: chr1-27549548-G-A. GRCh37 (hg19) VCF-style: chr1-27876059-G-A.
Other names: c.2568C>T, p.Ala856= (NM_001029882.3).
Identifiers: ClinVar variation 4874363 (VCV004874363.2).
Genomic context (GRCh38, chr1:27,549,548, plus strand): 5'-GGTGGGTGGCCCTGCATAGGTGCCCGATGCCTTCCGGGACTCTGGGCGAGAGGCTGAGAG[G>A]GCAAAGTCCAAGAGATCGGAGGAGTCATCCGAATCGAGCAGCGAGCGAAAGTAGCCGGTG-3'
Protein context (NP_001358857.1, residues 846-866): SDDSSDLLDF[Ala856=]LSASRPESRK

ClinVar aggregate classification (germline): Likely benign (1 of 4 stars; one submission).

gnomAD v4.1: 4 of 1,613,240 alleles (0.00025%); highest among the groups gnomAD compares: Non-Finnish European, 0.00034%; no homozygotes.

Submission:

CeGaT Center for Human Genetics Tuebingen
Classification: Likely benign. Last evaluated: 2026-04-01. Review status: criteria provided, single submitter. Criteria: CeGaT Center For Human Genetics Tuebingen Variant Classification Criteria Version 2. Collection method: clinical testing. Allele origin: germline. Affected: yes. Observed: 1 variant allele.
Comment: AHDC1: BP4, BP7